The following is an entry in ClinVar:

ClinVar aggregate classification (germline): Conflicting classifications of pathogenicity. Review status: criteria provided, conflicting classifications (1 of 4 stars). 2 submissions from 2 submitters: Likely pathogenic (1); Uncertain significance (1). Last evaluated 2026-05-05.

Submissions (2):

GeneDx
Classification: Likely pathogenic. Last evaluated: 2026-05-05. Review status: criteria provided, single submitter. Criteria: GeneDx Variant Classification Process June 2021. Collection method: clinical testing. Allele origin: germline.
Comment: Reported as heterozygous in a proband with Hirschsprung disease in published literature (PMID: 9556633); the variant was inherited from this individual's father, but detailed information about the family was not provided; Published functional studies suggest a damaging effect: decreased ligand-induced increment of intracellular calcium and impaired intracellular signaling (PMID: 9556633); Not observed at significant frequency in large population cohorts (gnomAD); In silico analysis supports that this missense variant has a deleterious effect on protein structure/function; This variant is associated with the following publications: (PMID: 12402509, 35595348, 11471546, 12895026, 8852660, 16618617, 20456320, 10964697, 9556633)

Labcorp Genetics (formerly Invitae), Labcorp
Classification: Uncertain significance. Last evaluated: 2025-09-21. Review status: criteria provided, single submitter. Criteria: Invitae Variant Classification Sherloc (09022015). Collection method: clinical testing. Allele origin: germline.
Comment: This sequence change replaces serine, which is neutral and polar, with arginine, which is basic and polar, at codon 390 of the EDNRB protein (p.Ser390Arg). This variant is not present in population databases (gnomAD no frequency). This missense change has been observed in individual(s) with Hirschsprung disease (PMID: 9556633). ClinVar contains an entry for this variant (Variation ID: 3906456). Invitae Evidence Modeling of protein sequence and biophysical properties (such as structural, functional, and spatial information, amino acid conservation, physicochemical variation, residue mobility, and thermodynamic stability) indicates that this missense variant is expected to disrupt EDNRB protein function with a positive predictive value of 80%. Experimental studies have shown that this missense change affects EDNRB function (PMID: 9556633). In summary, the available evidence is currently insufficient to determine the role of this variant in disease. Therefore, it has been classified as a Variant of Uncertain Significance.

Literature cited by the submitters: PubMed 9556633 (cited by Labcorp Genetics (formerly Invitae), Labcorp).

NM_001122659.3(EDNRB):c.1170C>A (p.Ser390Arg)

Genes: EDNRB (endothelin receptor type B; minus strand), EDNRB-AS1 (EDNRB antisense RNA 1; plus strand). Cytogenetic location: 13q22.3.
Variant type: single nucleotide variant.
Coding change: c.1170C>A on transcript NM_001122659.3 (MANE Select); coding-DNA position 1170, C replaced by A.
Protein change: p.Ser390Arg; replaces serine 390 with arginine.
Molecular consequence: missense variant.
Genome position (GRCh38, 1-based): chr13:77,899,883, G>T on the plus strand (C>A on the coding strand, the complement: EDNRB is on the minus strand). VCF-style: chr13-77899883-G-T. GRCh37 (hg19) VCF-style: chr13-78474018-G-T.
Other names: c.1170C>A, p.Ser390Arg (NM_000115.5, NM_003991.4); c.1440C>A, p.Ser480Arg (NM_001201397.2); short protein forms S390R, S480R.
Identifiers: ClinVar variation 3906456 (VCV003906456.3).